The following is an entry in ClinVar:

ClinVar aggregate classification (germline): Uncertain significance (1 of 4 stars; one submission).

Conditions:
Jeune thoracic dystrophy. Also called: Infantile thoracic dystrophy; Thoracic pelvic phalangeal dystrophy; Jeune's syndrome; Chondroectodermal dysplasia-like syndrome; Short-rib thoracic dysplasia; Jeune syndrome. Identifiers: Orphanet 474, MedGen C0265275, MONDO:0018770.

Allele frequency attached by ClinVar (database versions not stated): TOPMed below 0.00001.

Submission:

Labcorp Genetics (formerly Invitae), Labcorp
Classification: Uncertain significance for Jeune thoracic dystrophy. Last evaluated: 2020-09-15. Review status: criteria provided, single submitter. Criteria: Invitae Variant Classification Sherloc (09022015). Collection method: clinical testing. Allele origin: germline.
Comment: This variant has not been reported in the literature in individuals with IFT80-related conditions. In summary, the available evidence is currently insufficient to determine the role of this variant in disease. Therefore, it has been classified as a Variant of Uncertain Significance. Algorithms developed to predict the effect of missense changes on protein structure and function output the following: SIFT: "Tolerated"; PolyPhen-2: "Benign"; Align-GVGD: "Class C0". The lysine amino acid residue is found in multiple mammalian species, suggesting that this missense change does not adversely affect protein function. These predictions have not been confirmed by published functional studies and their clinical significance is uncertain. This variant is not present in population databases (ExAC no frequency). This sequence change replaces arginine with lysine at codon 542 of the IFT80 protein (p.Arg542Lys). The arginine residue is moderately conserved and there is a small physicochemical difference between arginine and lysine.

NM_020800.3(IFT80):c.1625G>A (p.Arg542Lys)

Genes: TRIM59-IFT80 (TRIM59-IFT80 readthrough (NMD candidate); minus strand), IFT80 (intraflagellar transport 80; minus strand). Cytogenetic location: 3q25.33.
Variant type: single nucleotide variant.
Coding change: c.1625G>A on transcript NM_020800.3 (MANE Select); coding-DNA position 1625, G replaced by A.
Protein change: p.Arg542Lys; replaces arginine 542 with lysine.
Molecular consequence: missense variant. On other transcripts: non-coding transcript variant (3).
Genome position (GRCh38, 1-based): chr3:160,280,706, C>T on the plus strand (G>A on the coding strand, the complement: IFT80 is on the minus strand). VCF-style: chr3-160280706-C-T. GRCh37 (hg19) VCF-style: chr3-159998494-C-T.
Other names: c.1214G>A, p.Arg405Lys (NM_001190241.2, NM_001190242.2); short protein forms R405K, R542K.
Identifiers: ClinVar variation 1016875 (VCV001016875.8), dbSNP rs1027265275, ClinGen allele CA86551192.
Genomic context (GRCh38, chr3:160,280,706, plus strand): 5'-TTATACGCAGTAAAATGTTACCTTGCATCCCTTTCATATAATGTTTTAGGCAAAATGTCT[C>T]TGTCCACATAAACTGTATTGGGGTAATACCACACTATAAATCGAGTATCTTGAAGTCCAC-3'
Protein context (NP_065851.1, residues 532-552): WYYPNTVYVD[Arg542Lys]DILPKTLYER